The following is an entry in ClinVar:

NM_002230.4(JUP):c.1172G>A (p.Ser391Asn)

Gene: JUP (junction plakoglobin; minus strand). Cytogenetic location: 17q21.2.
Variant type: single nucleotide variant.
Coding change: c.1172G>A on transcript NM_002230.4 (MANE Select); coding-DNA position 1172, G replaced by A.
Protein change: p.Ser391Asn; replaces serine 391 with asparagine.
Molecular consequence: missense variant.
Genome position (GRCh38, 1-based): chr17:41,763,308, C>T on the plus strand (G>A on the coding strand, the complement: JUP is on the minus strand). VCF-style: chr17-41763308-C-T. GRCh37 (hg19) VCF-style: chr17-39919560-C-T.
Other names: p.S391N:AGT>AAT; c.1172G>A, p.Ser391Asn (NM_001352773.2, NM_001352774.2, NM_001352775.2 and 3 more transcripts); short protein forms S391N.
Identifiers: ClinVar variation 191672 (VCV000191672.28), dbSNP rs199826380, ClinGen allele CA237215.

ClinVar aggregate classification (germline): Conflicting classifications of pathogenicity. Review status: criteria provided, conflicting classifications (1 of 4 stars). 12 submissions from 11 submitters: Uncertain significance (4); Benign (1); Likely benign (4). 3 of the submissions do not count toward it. Last evaluated 2026-02-01.

Conditions:
Cardiovascular phenotype. Identifiers: MedGen CN230736.
JUP-related disorder. Also called: JUP-related condition.
Arrhythmogenic right ventricular dysplasia 12. Also called: ARRHYTHMOGENIC RIGHT VENTRICULAR DYSPLASIA, FAMILIAL, 12. Identifiers: MedGen C1969081, MONDO:0012684, OMIM 611528.
Naxos disease (NXD). Also called: CARDIOMYOPATHY, ARRHYTHMOGENIC RIGHT VENTRICULAR, WITH SKIN, HAIR, AND NAIL ABNORMALITIES; KERATOSIS PALMOPLANTARIS WITH ARRHYTHMOGENIC CARDIOMYOPATHY; MAL DE NAXOS; PALMOPLANTAR KERATODERMA WITH ARRHYTHMOGENIC RIGHT VENTRICULAR CARDIOMYOPATHY AND WOOLLY HAIR; WOOLLY HAIR, PALMOPLANTAR KERATODERMA, AND CARDIAC ABNORMALITIES. Identifiers: Orphanet 34217, MedGen C1832600, MONDO:0011017, OMIM 601214.
Cardiomyopathy (CMYO). Also called: Cardiomyopathies. Identifiers: Orphanet 167848, MedGen C0878544, MONDO:0004994, HP:0001638. Inheritance: Various modes of inheritance.

Allele frequency attached by ClinVar (database versions not stated): gnomAD 0.00015 and 0.00016; 1000 Genomes Project 30x 0.00016; 1000 Genomes Project 0.00020; ExAC 0.00023; ESP Exome Variant Server 0.00023; gnomAD exomes 0.00023; TOPMed 0.00023.

Submissions (12):

Labcorp Genetics (formerly Invitae), Labcorp
Classification: Likely benign for Arrhythmogenic right ventricular dysplasia 12; Naxos disease. Last evaluated: 2026-02-01. Review status: criteria provided, single submitter. Criteria: Invitae Variant Classification Sherloc (09022015). Collection method: clinical testing. Allele origin: germline.

Ambry Genetics
Classification: Likely benign for Cardiovascular phenotype. Last evaluated: 2019-09-16. Review status: criteria provided, single submitter. Criteria: Ambry Variant Classification Scheme 2023. Collection method: clinical testing. Allele origin: germline.

GeneDx
Classification: Likely benign. Last evaluated: 2019-05-06. Review status: criteria provided, single submitter. Criteria: GeneDx Variant Classification Process June 2021. Collection method: clinical testing. Allele origin: germline. Affected: yes.

Center for Advanced Laboratory Medicine, UC San Diego Health, University of California San Diego
Classification: Likely benign for Cardiomyopathy. Last evaluated: 2018-05-23. Review status: criteria provided, single submitter. Criteria: ACMG Guidelines, 2015. Collection method: clinical testing. Allele origin: germline. Affected: yes. Observed: 2 variant alleles.

Illumina Laboratory Services, Illumina
Classification: Uncertain significance for Naxos disease. Last evaluated: 2017-04-27. Review status: criteria provided, single submitter. Criteria: ICSL Variant Classification Criteria 13 December 2019. Collection method: clinical testing. Allele origin: germline.

Illumina Laboratory Services, Illumina
Classification: Uncertain significance for Arrhythmogenic right ventricular dysplasia 12. Last evaluated: 2017-04-27. Review status: criteria provided, single submitter. Criteria: ICSL Variant Classification Criteria 13 December 2019. Collection method: clinical testing. Allele origin: germline.

Women's Health and Genetics/Laboratory Corporation of America, LabCorp
Classification: Benign. Last evaluated: 2016-05-09. Review status: criteria provided, single submitter. Criteria: LabCorp Variant Classification Summary - May 2015. Collection method: clinical testing. Allele origin: germline.
Comment: Variant summary: The JUP c.1172G>A (p.Ser391Asn) variant involves the alteration of a non-conserved nucleotide. 3/3 in silico tools predict a benign outcome for this variant. This variant was found in 29/122542 control chromosomes at a frequency of 0.0002367, which is approximately 24 times the estimated maximal expected allele frequency of a pathogenic JUP variant (0.00001), suggesting this variant is likely a benign polymorphism. The variant of interest has not, to our knowledge, been reported in affected individuals via publications and/or reputable databases/clinical diagnostic laboratories. It has been classified as a likely benign by one clinical laboratory in ClinVar. Taken together, this variant is classified as Benign.

Biesecker Lab/Clinical Genomics Section, National Institutes of Health
Classification: Uncertain significance. Last evaluated: 2013-06-24. Review status: criteria provided, single submitter. Criteria: Ng et al. (Circ Cardiovasc Genet. 2013). Collection method: research. Allele origin: unknown. Observed: 1 variant allele. Study: ClinSeq.
Comment: The study set was not selected for affection status in relation to any cancer. Pathogenicity categories were based on literature curation. See Pubmed ID:23861362 for details.

Medical sequencing

Center for Genomics, Ann and Robert H. Lurie Children's Hospital of Chicago
Classification: Uncertain significance for Naxos disease; Arrhythmogenic right ventricular dysplasia 12. Review status: criteria provided, single submitter. Criteria: ACMG Guidelines, 2015. Collection method: clinical testing. Allele origin: germline.
Comment: JUP NM_002230.2 exon 8 p.Ser391Asn (c.1172G>A): This variant has not been reported in the literature but is present in 0.2% (27/10354) of Ashkenazi Jewish alleles in the Genome Aggregation Database. This variant is present in ClinVar (Variation ID:191672). This variant amino acid Asparagine (Asn) is present in 4 species and is not well conserved among evolutionarily distant species; this suggests that this variant may not impact the protein. Additional computational prediction tools do not suggest an impact. In summary, data on this variant is insufficient for disease classification. Therefore, the clinical significance of this variant is uncertain.

PreventionGenetics, part of Exact Sciences
Classification: Likely benign for JUP-related condition. Last evaluated: 2023-08-31. Review status: no assertion criteria provided. Collection method: clinical testing. Allele origin: germline. Not counted in ClinVar's aggregate classification.
Comment: This variant is classified as likely benign based on ACMG/AMP sequence variant interpretation guidelines (Richards et al. 2015 PMID: 25741868, with internal and published modifications).

Clinical Genetics DNA and cytogenetics Diagnostics Lab, Erasmus MC, Erasmus Medical Center
Classification: Likely benign. Review status: no assertion criteria provided. Collection method: clinical testing. Allele origin: germline. Affected: yes. Study: VKGL Data-share Consensus. Not counted in ClinVar's aggregate classification.

Clinical Genetics, Academic Medical Center
Classification: Benign. Review status: no assertion criteria provided. Collection method: clinical testing. Allele origin: germline. Affected: yes. Study: VKGL Data-share Consensus. Not counted in ClinVar's aggregate classification.

Literature cited by the submitters: PubMed 23861362 (cited by Women's Health and Genetics/Laboratory Corporation of America, LabCorp).